The following is an entry in ClinVar:

ClinVar aggregate classification (germline): Likely pathogenic. Review status: criteria provided, multiple submitters, no conflicts (2 of 4 stars). 3 submissions from 3 submitters: Likely pathogenic (2). 1 of the submissions does not count toward it. Last evaluated 2018-04-29.

Conditions:
Costello syndrome (CSTLO). Also called: FCS SYNDROME; HRAS-Related Costello Syndrome; FACIOCUTANEOSKELETAL SYNDROME. Identifiers: Orphanet 3071, MedGen C0587248, MONDO:0009026, OMIM 218040.

Submissions (3):

Labcorp Genetics (formerly Invitae), Labcorp
Classification: Likely pathogenic for Costello syndrome. Last evaluated: 2018-04-29. Review status: criteria provided, single submitter. Criteria: Invitae Variant Classification Sherloc (09022015). Collection method: clinical testing. Allele origin: germline.
Comment: This variant is not present in population databases (ExAC no frequency). In summary, the currently available evidence indicates that the variant is pathogenic, but additional data are needed to prove that conclusively. Therefore, this variant has been classified as Likely Pathogenic. The p.Ala146 amino acid residue in HRAS has been determined to be clinically significant (PMID: 17054105, 28328122). This suggests that variants that disrupt this residue are likely to be causative of disease. Algorithms developed to predict the effect of missense changes on protein structure and function (SIFT, PolyPhen-2, Align-GVGD) all suggest that this variant is likely to be disruptive, but these predictions have not been confirmed by published functional studies and their clinical significance is uncertain. This variant has been observed in an individual affected with attenuated Costello syndrome (PMID: 18247425). ClinVar contains an entry for this variant (Variation ID: 12611). This sequence change replaces alanine with valine at codon 146 of the HRAS protein (p.Ala146Val). The alanine residue is highly conserved and there is a small physicochemical difference between alanine and valine.

Laboratory for Molecular Medicine, Mass General Brigham Personalized Medicine
Classification: Likely pathogenic for Costello syndrome. Last evaluated: 2013-12-26. Review status: criteria provided, single submitter. Criteria: LMM Criteria. Collection method: clinical testing. Allele origin: germline. Observed: 1 variant allele.
Comment: The Ala146Val variant in HRAS has been reported in one individual with mild clin ical features of Costello syndrome (Gripp 2008), and was absent in large populat ion studies. In addition, another variant at the Ala146 residue (Ala146Thr) has also been identified as occurring de novo in one individual with mild clinical f eatures of Costello syndrome (Zampino 2007). Computational analyses (biochemical amino acid properties, conservation, AlignGVGD, MAPP, PolyPhen2, and SIFT) sugg est that this variant may impact the protein, though this information is not pre dictive enough to determine pathogenicity. In summary, this variant is likely pa thogenic, though additional studies are required to fully establish its clinical significance.

OMIM
Classification: Pathogenic for COSTELLO SYNDROME. Last evaluated: 2008-03-15. Review status: no assertion criteria provided. Collection method: literature only. Allele origin: germline. Not counted in ClinVar's aggregate classification.

Literature cited by the submitters: PubMed 17054105 (cited by Labcorp Genetics (formerly Invitae), Labcorp and Laboratory for Molecular Medicine, Mass General Brigham Personalized Medicine); PubMed 28328122 (cited by Labcorp Genetics (formerly Invitae), Labcorp); PubMed 18247425 (cited by 3 submitters); PubMed 23093928 (cited by Laboratory for Molecular Medicine, Mass General Brigham Personalized Medicine).

NM_005343.4(HRAS):c.437C>T (p.Ala146Val)

Genes: HRAS (HRas proto-oncogene, GTPase; minus strand), LRRC56 (leucine rich repeat containing 56; plus strand). Cytogenetic location: 11p15.5.
Variant type: single nucleotide variant.
Coding change: c.437C>T on transcript NM_005343.4 (MANE Select); coding-DNA position 437, C replaced by T.
Protein change: p.Ala146Val; replaces alanine 146 with valine.
Molecular consequence: missense variant.
Genome position (GRCh38, 1-based): chr11:533,466, G>A on the plus strand (C>T on the coding strand, the complement: HRAS is on the minus strand). VCF-style: chr11-533466-G-A. GRCh37 (hg19) VCF-style: chr11-533466-G-A.
Other names: c.437C>T, p.Ala146Val (NM_001130442.3, NM_176795.5); c.118C>T, p.Pro40Ser (NM_001318054.2); short protein forms A146V, P40S.
Identifiers: ClinVar variation 12611 (VCV000012611.12), dbSNP rs121917759, ClinGen allele CA256494.